The following is an entry in ClinVar:

NM_003995.4(NPR2):c.263A>C (p.Lys88Thr)

Gene: NPR2 (natriuretic peptide receptor 2; plus strand). Cytogenetic location: 9p13.3.
Variant type: single nucleotide variant.
Coding change: c.263A>C on transcript NM_003995.4 (MANE Select); coding-DNA position 263, A replaced by C.
Protein change: p.Lys88Thr; replaces lysine 88 with threonine.
Molecular consequence: missense variant.
Genome position (GRCh38, 1-based): chr9:35,792,671, A>C. VCF-style: chr9-35792671-A-C. GRCh37 (hg19) VCF-style: chr9-35792668-A-C.
Other names: c.263A>C, p.Lys88Thr (NM_001378923.1); short protein forms K88T.
Identifiers: ClinVar variation 998732 (VCV000998732.7), dbSNP rs1349881219, ClinGen allele CA373362741.
Genomic context (GRCh38, chr9:35,792,671, plus strand): 5'-GCTCCGAACTGGAAGGCGCCTGCTCTGAGTACCTGGCACCGCTGAGCGCTGTGGACCTCA[A>C]GCTGTACCATGACCCCGACCTGCTGTTAGGTCCCGGTTGCGTGTACCCTGCTGCCTCTGT-3'
Protein context (NP_003986.2, residues 78-98): YLAPLSAVDL[Lys88Thr]LYHDPDLLLG

ClinVar aggregate classification (germline): Uncertain significance (1 of 4 stars; one submission).

Conditions:
Acromesomelic dysplasia 1, Maroteaux type (AMD1). Also called: ACROMESOMELIC DYSPLASIA 1; ST. HELENA DYSPLASIA. Identifiers: Orphanet 40, MedGen C1864356, MONDO:0011275, OMIM 602875.
Tall stature-scoliosis-macrodactyly of the great toes syndrome. Also called: Epiphyseal chondrodysplasia, miura type. Identifiers: Orphanet 329191, MedGen C4014690, MONDO:0014401, OMIM 615923.

Submission:

Labcorp Genetics (formerly Invitae), Labcorp
Classification: Uncertain significance for Tall stature-scoliosis-macrodactyly of the great toes syndrome; Acromesomelic dysplasia 1, Maroteaux type. Last evaluated: 2021-11-03. Review status: criteria provided, single submitter. Criteria: Invitae Variant Classification Sherloc (09022015). Collection method: clinical testing. Allele origin: germline.
Comment: In summary, the available evidence is currently insufficient to determine the role of this variant in disease. Therefore, it has been classified as a Variant of Uncertain Significance. Algorithms developed to predict the effect of missense changes on protein structure and function are either unavailable or do not agree on the potential impact of this missense change (SIFT: "Deleterious"; PolyPhen-2: "Benign"; Align-GVGD: "Class C0"). ClinVar contains an entry for this variant (Variation ID: 998732). This missense change has been observed in individual(s) with clinical features of acromesomelic dysplasia (PMID: 26284228; Invitae). In at least one individual the data is consistent with the variant being in trans (on the opposite chromosome) from a pathogenic variant. This variant is not present in population databases (gnomAD no frequency). This sequence change replaces lysine, which is basic and polar, with threonine, which is neutral and polar, at codon 88 of the NPR2 protein (p.Lys88Thr).

Literature cited by the submitters: PubMed 26284228.